The following is an entry in ClinVar:

NM_004484.4(GPC3):c.329T>C (p.Val110Ala)

Gene: GPC3 (glypican 3; minus strand). Cytogenetic location: Xq26.2.
Variant type: single nucleotide variant.
Coding change: c.329T>C on transcript NM_004484.4 (MANE Select); coding-DNA position 329, T replaced by C.
Protein change: p.Val110Ala; replaces valine 110 with alanine.
Molecular consequence: missense variant. On other transcripts: intron variant (2).
Genome position (GRCh38, 1-based): chrX:133,953,058, A>G on the plus strand (T>C on the coding strand, the complement: GPC3 is on the minus strand). VCF-style: chrX-133953058-A-G. GRCh37 (hg19) VCF-style: chrX-133087085-A-G.
Other names: c.329T>C, p.Val110Ala (NM_001164617.2); c.175+32217T>C (NM_001164619.2); c.289+40T>C (NM_001164618.2); short protein forms V110A.
Identifiers: ClinVar variation 836389 (VCV000836389.10), dbSNP rs2076399979, ClinGen allele CA414707278.

ClinVar aggregate classification (germline): Uncertain significance (1 of 4 stars; one submission).

Conditions:
Wilms tumor 1 (WT1). Also called: Wilms tumor, somatic. Identifiers: Orphanet 654, MedGen CN033288, MONDO:0008679, OMIM 194070.

Allele frequency attached by ClinVar (database versions not stated): gnomAD exomes below 0.00001.
gnomAD v4.1: 6 of 1,209,340 alleles (0.0005%); highest among the groups gnomAD compares: Non-Finnish European, 0.00056%; no homozygotes.

Submission:

Labcorp Genetics (formerly Invitae), Labcorp
Classification: Uncertain significance for Wilms tumor 1. Last evaluated: 2024-04-15. Review status: criteria provided, single submitter. Criteria: Invitae Variant Classification Sherloc (09022015). Collection method: clinical testing. Allele origin: germline.
Comment: This sequence change replaces valine, which is neutral and non-polar, with alanine, which is neutral and non-polar, at codon 110 of the GPC3 protein (p.Val110Ala). This variant is not present in population databases (gnomAD no frequency). This variant has not been reported in the literature in individuals affected with GPC3-related conditions. ClinVar contains an entry for this variant (Variation ID: 836389). Advanced modeling of protein sequence and biophysical properties (such as structural, functional, and spatial information, amino acid conservation, physicochemical variation, residue mobility, and thermodynamic stability) performed at Invitae indicates that this missense variant is not expected to disrupt GPC3 protein function with a negative predictive value of 80%. In summary, the available evidence is currently insufficient to determine the role of this variant in disease. Therefore, it has been classified as a Variant of Uncertain Significance.